The following is an entry in ClinVar:

ClinVar aggregate classification (germline): Uncertain significance (1 of 4 stars; one submission).

Allele frequency attached by ClinVar (database versions not stated): gnomAD exomes 0.00001.

Submission:

GeneDx
Classification: Uncertain significance. Last evaluated: 2016-03-08. Review status: criteria provided, single submitter. Criteria: GeneDx Variant Classification (06012015). Collection method: clinical testing. Allele origin: germline. Affected: yes.
Comment: The P159A variant in the CHD7 gene has not been reported previously as a pathogenic variant, nor as a benign variant, to our knowledge. The P159A variant was not observed in approximately 6,300 individuals of European and African American ancestry in the NHLBI Exome Sequencing Project, indicating it is not a common benign variant in these populations. The P159A variant is a semi-conservative amino acid substitution, which may impact secondary protein structure as these residues differ in some properties. This substitution occurs at a position that is conserved across species. In silico analysis is inconsistent in its predictions as to whether or not the variant is damaging to the protein structure/function. We interpret P159A as a variant of uncertain significance.

NM_017780.4(CHD7):c.475C>G (p.Pro159Ala)

Gene: CHD7 (chromodomain helicase DNA binding protein 7; plus strand). Cytogenetic location: 8q12.2.
Variant type: single nucleotide variant.
Coding change: c.475C>G on transcript NM_017780.4 (MANE Select); coding-DNA position 475, C replaced by G.
Protein change: p.Pro159Ala; replaces proline 159 with alanine.
Molecular consequence: missense variant.
Genome position (GRCh38, 1-based): chr8:60,741,907, C>G. VCF-style: chr8-60741907-C-G. GRCh37 (hg19) VCF-style: chr8-61654466-C-G.
Other names: c.475C>G (LRG_176t1); c.475C>G, p.Pro159Ala (NM_001316690.1); short protein forms P159A.
Identifiers: ClinVar variation 420560 (VCV000420560.2), dbSNP rs1064794560, ClinGen allele CA16618651.